The following is an entry in ClinVar:

NM_000373.4(UMPS):c.*4717C>T

Gene: UMPS (uridine monophosphate synthetase; plus strand). Cytogenetic location: 3q21.2.
Variant type: single nucleotide variant.
Coding change: c.*4717C>T on transcript NM_000373.4 (MANE Select); 4717 bases downstream of the stop codon, C replaced by T.
Molecular consequence: 3 prime UTR variant. On other transcripts: non-coding transcript variant (2).
Genome position (GRCh38, 1-based): chr3:124,748,801, C>T. VCF-style: chr3-124748801-C-T. GRCh37 (hg19) VCF-style: chr3-124467648-C-T.
Identifiers: ClinVar variation 343035 (VCV000343035.5), dbSNP rs117624716, ClinGen allele CA2582187.

ClinVar aggregate classification (germline): Benign (1 of 4 stars; one submission).

Conditions:
Oroticaciduria. Also called: Orotic aciduria. Identifiers: Orphanet 30, MedGen C0268128, HP:0003218.

Allele frequency attached by ClinVar (database versions not stated): gnomAD exomes 0.02124 and 0.02835; 1000 Genomes Project 0.02776; ExAC 0.06048; gnomAD 0.01362 and 0.01139; TOPMed 0.01396; 1000 Genomes Project 30x 0.02764.
gnomAD v4.1: 7,209 of 397,618 alleles (1.8%); highest among the groups gnomAD compares: East Asian, 6%; 147 homozygotes.

Submission:

Illumina Laboratory Services, Illumina
Classification: Benign for Hereditary orotic aciduria. Last evaluated: 2018-01-12. Review status: criteria provided, single submitter. Criteria: ICSL Variant Classification Criteria 13 December 2019. Collection method: clinical testing. Allele origin: germline.
Comment: This variant was observed in the ICSL laboratory as part of a predisposition screen in an ostensibly healthy population. It had not been previously curated by ICSL or reported in the Human Gene Mutation Database (HGMD: prior to June 1st, 2018), and was therefore a candidate for classification through an automated scoring system. Utilizing variant allele frequency, disease prevalence and penetrance estimates, and inheritance mode, an automated score was calculated to assess if this variant is too frequent to cause the disease. Based on the score and internal cut-off values, a variant classified as benign is not then subjected to further curation. The score for this variant resulted in a classification of benign for this disease.